The following is an entry in ClinVar:

ClinVar aggregate classification (germline): Conflicting classifications of pathogenicity. Review status: criteria provided, conflicting classifications (1 of 4 stars). 2 submissions from 2 submitters: Uncertain significance (1); Likely benign (1). Last evaluated 2025-10-09.

Allele frequency attached by ClinVar (database versions not stated): ExAC 0.00001; gnomAD exomes 0.00003 and 0.00006; TOPMed 0.00004; gnomAD 0.00005 and 0.00006; 1000 Genomes Project 30x 0.00016; 1000 Genomes Project 0.00020.
gnomAD v4.1: 92 of 1,546,146 alleles (0.006%); highest among the groups gnomAD compares: East Asian, 0.009%; no homozygotes.

Submissions (2):

Labcorp Genetics (formerly Invitae), Labcorp
Classification: Uncertain significance. Last evaluated: 2025-10-09. Review status: criteria provided, single submitter. Criteria: Invitae Variant Classification Sherloc (09022015). Collection method: clinical testing. Allele origin: germline.
Comment: This sequence change replaces proline, which is neutral and non-polar, with leucine, which is neutral and non-polar, at codon 616 of the MKL1 protein (p.Pro616Leu). This variant is present in population databases (rs201542621, gnomAD 0.006%). This variant has not been reported in the literature in individuals affected with MKL1-related conditions. ClinVar contains an entry for this variant (Variation ID: 1023597). An algorithm developed to predict the effect of missense changes on protein structure and function outputs the following: PolyPhen-2: "Benign". The leucine amino acid residue is found in multiple mammalian species, which suggests that this missense change does not adversely affect protein function. In summary, the available evidence is currently insufficient to determine the role of this variant in disease. Therefore, it has been classified as a Variant of Uncertain Significance.

Ambry Genetics
Classification: Likely benign. Last evaluated: 2024-06-17. Review status: criteria provided, single submitter. Criteria: Ambry Variant Classification Scheme 2023. Collection method: clinical testing. Allele origin: germline.

NM_020831.6(MRTFA):c.2147C>T (p.Pro716Leu)

Gene: MRTFA (myocardin related transcription factor A; minus strand). Cytogenetic location: 22q13.1.
Variant type: single nucleotide variant.
Coding change: c.2147C>T on transcript NM_020831.6 (MANE Select); coding-DNA position 2147, C replaced by T.
Protein change: p.Pro716Leu; replaces proline 716 with leucine.
Molecular consequence: missense variant.
Genome position (GRCh38, 1-based): chr22:40,418,591, G>A on the plus strand (C>T on the coding strand, the complement: MRTFA is on the minus strand). VCF-style: chr22-40418591-G-A. GRCh37 (hg19) VCF-style: chr22-40814595-G-A.
Other names: c.1847C>T, p.Pro616Leu (NM_001282660.2); c.1997C>T, p.Pro666Leu (NM_001282661.3); c.2147C>T, p.Pro716Leu (NM_001282662.3); c.1952C>T, p.Pro651Leu (NM_001318139.2); c.1847C>T (NM_020831.3); short protein forms P616L, P651L, P666L, P716L.
Identifiers: ClinVar variation 1023597 (VCV001023597.10), dbSNP rs201542621, ClinGen allele CA10249441.